The following is an entry in ClinVar:

NM_012330.4(KAT6B):c.5251C>T (p.Pro1751Ser)

Gene: KAT6B (lysine acetyltransferase 6B; plus strand). Cytogenetic location: 10q22.2.
Variant type: single nucleotide variant.
Coding change: c.5251C>T on transcript NM_012330.4 (MANE Select); coding-DNA position 5251, C replaced by T.
Protein change: p.Pro1751Ser; replaces proline 1751 with serine.
Molecular consequence: missense variant.
Genome position (GRCh38, 1-based): chr10:75,030,075, C>T. VCF-style: chr10-75030075-C-T. GRCh37 (hg19) VCF-style: chr10-76789833-C-T.
Other names: c.4702C>T, p.Pro1568Ser (NM_001256468.2, NM_001370138.1); c.4375C>T, p.Pro1459Ser (NM_001256469.2, NM_001370139.1, NM_001370140.1 and 2 more transcripts); c.4213C>T, p.Pro1405Ser (NM_001370132.1); c.3562C>T, p.Pro1188Ser (NM_001370133.1); c.3166C>T, p.Pro1056Ser (NM_001370134.1); c.2908C>T, p.Pro970Ser (NM_001370135.1); c.5251C>T, p.Pro1751Ser (NM_001370136.1, NM_001370137.1); c.4186C>T, p.Pro1396Ser (NM_001370143.1, NM_001370144.1); short protein forms P1056S, P1405S, P1568S, P1459S, P1188S, P1396S, P1751S, P970S.
Identifiers: ClinVar variation 3637139 (VCV003637139.2).
Genomic context (GRCh38, chr10:75,030,075, plus strand): 5'-AGCTGCAGCATGCTGCAGCAAACCAGCATCAGCTCCCCTCCGACCTGCAGCGTCAAGTCT[C>T]CTCAAGGCTGTGTGGTGGAGAGGCCTCCGAGCAGCAGCCAGCAGCTGGCTCAGTGCAGCA-3'
Protein context (NP_036462.2, residues 1741-1761): SSPPTCSVKS[Pro1751Ser]QGCVVERPPS

ClinVar aggregate classification (germline): Uncertain significance (1 of 4 stars; one submission).

Conditions:
Genitopatellar syndrome (GTPTS). Also called: ABSENT PATELLAE, SCROTAL HYPOPLASIA, RENAL ANOMALIES, FACIAL DYSMORPHISM, AND MENTAL RETARDATION; Genitopatellar syndrome (GPS). Identifiers: Orphanet 85201, MedGen C1853566, MONDO:0011640, OMIM 606170.

gnomAD v4.1: 18 of 1,614,112 alleles (0.0011%); highest among the groups gnomAD compares: Non-Finnish European, 0.0014%; no homozygotes.

Submission:

Labcorp Genetics (formerly Invitae), Labcorp
Classification: Uncertain significance for Genitopatellar syndrome. Last evaluated: 2024-11-05. Review status: criteria provided, single submitter. Criteria: Invitae Variant Classification Sherloc (09022015). Collection method: clinical testing. Allele origin: germline.
Comment: This sequence change replaces proline, which is neutral and non-polar, with serine, which is neutral and polar, at codon 1751 of the KAT6B protein (p.Pro1751Ser). This variant is present in population databases (rs772074863, gnomAD 0.002%). This variant has not been reported in the literature in individuals affected with KAT6B-related conditions. An algorithm developed to predict the effect of missense changes on protein structure and function (PolyPhen-2) suggests that this variant is likely to be disruptive. In summary, the available evidence is currently insufficient to determine the role of this variant in disease. Therefore, it has been classified as a Variant of Uncertain Significance.